The following is an entry in ClinVar:

NM_000091.5(COL4A3):c.3546_3548dup (p.Gly1183dup)

Genes: COL4A3 (collagen type IV alpha 3 chain; plus strand), MFF-DT (MFF divergent transcript; minus strand). Cytogenetic location: 2q36.3.
Variant type: Duplication.
Coding change: c.3546_3548dup on transcript NM_000091.5 (MANE Select); coding-DNA positions 3546 to 3548, 3 bases duplicated (AGG; older notation c.3546_3548dupAGG).
Protein change: p.Gly1183dup; duplicates glycine 1183.
Molecular consequence: inframe insertion.
Genome position (GRCh38, 1-based): chr2:227,295,297-227,295,299, AGG duplicated; duplicating any 3 consecutive bases within chr2:227,295,296-227,295,299 gives the same sequence; the c. name uses the placement nearest the transcript's 3' end. VCF-style (leftmost placement, unchanged base first): chr2-227295295-A-AGAG. GRCh37 (hg19) VCF-style: chr2-228160011-A-AGAG.
Other names: p.(Gly1183dup); c.3546_3548dupAGG (NM_000091.4).
Identifiers: ClinVar variation 438655 (VCV000438655.45), dbSNP rs1175052474, ClinGen allele CA645509120.
Genomic context (GRCh38, chr2:227,295,295, plus strand): 5'-CCAATTATTAACATGCCAAGATTATCTCTTTCAGGTTTATTGAGGGCCCCTCCAGGCCCA[A>AGAG]GAGGGAACCCTGGTGCTCAAGGTAAGCAGTTCTTCTTCCCTGTCCTAATGTACACATTTT-3'

ClinVar aggregate classification (germline): Pathogenic/Likely pathogenic. Review status: criteria provided, multiple submitters, no conflicts (2 of 4 stars). 16 submissions from 14 submitters: Pathogenic (6); Likely pathogenic (7). 3 of the submissions do not count toward it. Last evaluated 2026-04-01.

Conditions:
Autosomal dominant Alport syndrome (ATS3A). Also called: ALPORT SYNDROME 3A, AUTOSOMAL DOMINANT; Alport syndrome dominant type; Renal failure and sensorineural hearing loss. Identifiers: Orphanet 63, Orphanet 88918, MedGen C5882663, MONDO:0007086, OMIM 104200.
Hematuria, benign familial, 2 (BFH2). Identifiers: MedGen C5830421, MONDO:0958186, OMIM 620320.
Alport syndrome 3b, autosomal recessive. Identifiers: MedGen C5882699, MONDO:0957811, OMIM 620536.
Moderate albuminuria. Also called: Microalbuminuria. Identifiers: MedGen C1654921, HP:0012594.
Microscopic hematuria. Also called: Microhematuria. Identifiers: MedGen C0239937, HP:0002907.
Proteinuria. Identifiers: MedGen C0033687, MONDO:0003634, HP:0000093.
Macroscopic hematuria. Identifiers: MedGen C0473237, HP:0012587.
COL4A3-related disorder. Also called: COL4A3-Related Disorders; COL4A3-related condition.
Alport syndrome. Also called: Hemorrhagic familial nephritis; Hemorrhagic hereditary nephritis; Congenital hereditary hematuria. Identifiers: Orphanet 63, MedGen C1567741, MONDO:0018965.

Submissions (16):

Centre de Génétique Humaine, Institut de Pathologie Et de Génétique
Classification: Likely pathogenic for Autosomal dominant Alport syndrome; Hematuria, benign familial, 2. Last evaluated: 2026-04-01. Review status: criteria provided, single submitter. Criteria: ACMG Guidelines, 2015. Collection method: clinical testing. Allele origin: germline, paternal. Inheritance: Autosomal dominant inheritance. Affected: yes. Observed: 3 variant alleles, 3 heterozygotes. Clinical features observed: Hematuria (HP:0000790), Proteinuria (HP:0000093), Microscopic hematuria (HP:0002907), Sensorineural hearing loss disorder (HP:0000407). Segregation with disease observed.
Comment: Inframe variant causing duplication of Gly1183 located in collagenous region (PM1 and PM4). This variant is rare: allelic frequency of 0.00025% in gnomAD v4.1.0 database (PM2). Described as LP in AD and AR Alport Syndrome (PP5 strong)

PreventionGenetics, part of Exact Sciences
Classification: Pathogenic for COL4A3-related condition. Last evaluated: 2026-02-25. Review status: criteria provided, single submitter. Criteria: ACMG Guidelines, 2015. Collection method: clinical testing. Allele origin: germline.
Comment: The COL4A3 c.3546_3548dupAGG variant is predicted to result in an in-frame duplication (p.Gly1183dup). This variant has been reported in the heterozygous state in individuals with COL4A3-related Alport syndrome spectrum disorders (see for example, Table S7, Groopman et al. 2019. PubMed ID: 30586318; Table S1, Ćomić et al. 2022. PubMed ID: 36117978; Table 2, Lujinschi et al. 2024. PubMed: 38790222). In addition, we have previously found this variant in the heterozygous state in individuals with COL4A3-related Alport syndrome spectrum disorders at PreventionGenetics (internal data). This one amino acid duplication variant occurs at the conserved triple helical domain (residues 43-1438) of the COL4A3 protein, where substitutions of the glycine (Gly) residue are usually pathogenic (Hudson et al. 1993. PubMed ID: 8253711). The consequence of this glycine duplication variant is expected to disturb the conserved triple helical Gly-X-Y repeats; and the same type of one amino acid duplication/insertion variant at a different but nearby location has been reported in an individual with isolated hematuria (c.3547_3548insGGA resulting in p.Gly1183_Asn1184insArg at Slajpah et al. 2007. PubMed ID: 17396119). The c.3546_3548dup (p.Gly1183dup) variant has not been reported in a large population database (gnomAD), indicating this variant is rare. This variant is interpreted as pathogenic for both autosomal dominant and recessive COL4A3-related Alport syndrome spectrum disorders.

Labcorp Genetics (formerly Invitae), Labcorp
Classification: Pathogenic. Last evaluated: 2026-01-05. Review status: criteria provided, single submitter. Criteria: Invitae Variant Classification Sherloc (09022015). Collection method: clinical testing. Allele origin: germline.
Comment: This variant, c.3546_3548dup, results in the insertion of 1 amino acid(s) of the COL4A3 protein (p.Gly1183dup), but otherwise preserves the integrity of the reading frame. This variant is not present in population databases (gnomAD no frequency). This variant has been observed in individuals with clinical features of Alport syndrome (PMID: 30586318, 36117978, 38214412; internal data). It has also been observed to segregate with disease in related individuals. ClinVar contains an entry for this variant (Variation ID: 438655). For these reasons, this variant has been classified as Pathogenic.

GeneDx
Classification: Likely pathogenic. Last evaluated: 2025-08-11. Review status: criteria provided, single submitter. Criteria: GeneDx Variant Classification Process June 2021. Collection method: clinical testing. Allele origin: germline. Affected: yes.
Comment: In-frame duplication of 1 amino acid in the triple helical domain; Not observed in large population cohorts (gnomAD); This variant is associated with the following publications: (PMID: 38790222, 30586318, 37794564, 36117978)

Victorian Clinical Genetics Services, Murdoch Childrens Research Institute
Classification: Pathogenic for Alport syndrome. Last evaluated: 2024-11-26. Review status: criteria provided, single submitter. Criteria: ACMG Guidelines, 2015. Collection method: clinical testing. Allele origin: germline. Affected: yes.
Comment: This variant is classified as Pathogenic. Evidence in support of pathogenic classification: In-frame insertion/deletion in a non-repetitive region that has high conservation; Variant is present in gnomAD <0.01 (v4: 4 heterozygote(s), 0 homozygote(s)); This variant has strong previous evidence of pathogenicity in unrelated individuals. This variant has been classified as likely pathogenic and pathogenic by clinical laboratories in ClinVar; Variant is located in the well-established functional Gly-X-Y motif in the collagen triple helical domain (DECIPHER). Additional information: This variant is heterozygous; This gene is associated with both recessive and dominant Alport syndrome (MONDO:0018965), COL4A3-related; Dominant negative and loss of function are known mechanisms of disease in this gene and are associated with Alport syndrome (MONDO:0018965), COL4A3-related. Glycine changes that are part of a G-X-Y repeat in the triple helix of a collagen domain are known to have a dominant negative effect (PMID: 12028435); Inheritance information for this variant is not currently available in this individual.

MVZ Medizinische Genetik Mainz
Classification: Pathogenic for Autosomal dominant Alport syndrome. Last evaluated: 2024-09-09. Review status: criteria provided, single submitter. Criteria: UK Practice Guidelines For Variant Classification V4 01 2020. Collection method: clinical testing. Allele origin: germline. Inheritance: Autosomal dominant inheritance. Affected: yes. Observed: 1 variant allele.
Comment: ACMG Criteria: PS4,PM1_STR,PM2_SUP,PM4_SUP,PP1,PP3,PP4

Blueprint Genetics
Classification: Likely pathogenic for COL4A3-related disorders. Last evaluated: 2024-05-22. Review status: criteria provided, single submitter. Criteria: ACMG Guidelines, 2015. Collection method: clinical testing. Allele origin: germline. Affected: yes. Observed: 5 variant alleles.

CeGaT Center for Human Genetics Tuebingen
Classification: Likely pathogenic. Last evaluated: 2024-03-01. Review status: criteria provided, single submitter. Criteria: CeGaT Center For Human Genetics Tuebingen Variant Classification Criteria Version 2. Collection method: clinical testing. Allele origin: germline. Affected: yes. Observed: 1 variant allele.
Comment: COL4A3: PM1, PM2, PM4:Supporting, PS4:Supporting

Fulgent Genetics
Classification: Likely pathogenic for Autosomal dominant Alport syndrome; Hematuria, benign familial, 2; Alport syndrome 3b, autosomal recessive. Last evaluated: 2024-02-23. Review status: criteria provided, single submitter. Criteria: ACMG Guidelines, 2015. Collection method: clinical testing. Allele origin: germline.

Institute of Human Genetics Munich, TUM University Hospital
Classification: Likely pathogenic for Autosomal dominant Alport syndrome. Last evaluated: 2022-07-28. Review status: criteria provided, single submitter. Criteria: Classification criteria August 2017. Collection method: clinical testing. Allele origin: germline. Inheritance: Autosomal dominant inheritance. Affected: yes. Observed: 6 variant alleles. Clinical features observed: Hearing impairment (HP:0000365), Microscopic hematuria (HP:0002907).

Centre for Mendelian Genomics, University Medical Centre Ljubljana
Classification: Pathogenic for Autosomal dominant Alport syndrome. Last evaluated: 2019-10-11. Review status: criteria provided, single submitter. Criteria: ACMG Guidelines, 2015. Collection method: clinical testing. Allele origin: unknown. Affected: yes.
Comment: This variant was classified as: Pathogenic. The following ACMG criteria were applied in classifying this variant: PS1,PM1,PM2,PM4.

Centre for Mendelian Genomics, University Medical Centre Ljubljana
Classification: Pathogenic for Moderate albuminuria; Microscopic hematuria; Proteinuria. Last evaluated: 2017-01-01. Review status: criteria provided, single submitter. Criteria: ACMG Guidelines, 2015. Collection method: clinical testing. Allele origin: unknown. Affected: yes.

Centre for Mendelian Genomics, University Medical Centre Ljubljana
Classification: Likely pathogenic for Macroscopic hematuria. Last evaluated: 2017-01-01. Review status: criteria provided, single submitter. Criteria: ACMG Guidelines, 2015. Collection method: clinical testing. Allele origin: unknown. Affected: yes.

Bioscientia Institut fuer Medizinische Diagnostik GmbH, Sonic Healthcare
Classification: Pathogenic for Autosomal dominant Alport syndrome. Last evaluated: 2019-10-31. Review status: no assertion criteria provided. Collection method: clinical testing. Allele origin: germline. Affected: yes. Not counted in ClinVar's aggregate classification.

Gharavi Laboratory, Columbia University
Classification: Likely pathogenic. Last evaluated: 2018-09-16. Review status: no assertion criteria provided. Criteria: ACMG Guidelines, 2015. Collection method: research. Allele origin: germline. Affected: yes. Not counted in ClinVar's aggregate classification.

Natera, Inc.
Classification: Uncertain significance for Alport syndrome. Last evaluated: 2020-03-03. Review status: flagged submission. Collection method: clinical testing. Allele origin: germline. Not counted in ClinVar's aggregate classification.
ClinVar note: Reason: Outlier claim with insufficient supporting evidence

Literature cited by the submitters: PubMed 30586318 (cited by Centre de Génétique Humaine, Institut de Pathologie Et de Génétique and Labcorp Genetics (formerly Invitae), Labcorp); PubMed 36117978 (cited by Centre de Génétique Humaine, Institut de Pathologie Et de Génétique and Labcorp Genetics (formerly Invitae), Labcorp); PubMed 37794564 (cited by Centre de Génétique Humaine, Institut de Pathologie Et de Génétique); PubMed 38214412 (cited by Centre de Génétique Humaine, Institut de Pathologie Et de Génétique and Labcorp Genetics (formerly Invitae), Labcorp); PubMed 41019761 (cited by Centre de Génétique Humaine, Institut de Pathologie Et de Génétique); PubMed 12028435 (cited by Victorian Clinical Genetics Services, Murdoch Childrens Research Institute).